The following is an entry in ClinVar:

NM_013391.3(DMGDH):c.269G>A (p.Trp90Ter)

Gene: DMGDH (dimethylglycine dehydrogenase; minus strand). Cytogenetic location: 5q14.1.
Variant type: single nucleotide variant.
Coding change: c.269G>A on transcript NM_013391.3 (MANE Select); coding-DNA position 269, G replaced by A.
Protein change: p.Trp90Ter; replaces tryptophan 90 with a stop codon.
Molecular consequence: nonsense. On other transcripts: non-coding transcript variant (2).
Genome position (GRCh38, 1-based): chr5:79,063,620, C>T on the plus strand (G>A on the coding strand, the complement: DMGDH is on the minus strand). VCF-style: chr5-79063620-C-T. GRCh37 (hg19) VCF-style: chr5-78359443-C-T.
Other names: short protein forms W90*.
Identifiers: ClinVar variation 3341079 (VCV003341079.2).

ClinVar aggregate classification (germline): Likely pathogenic (1 of 4 stars; one submission).

Conditions:
Dimethylglycine dehydrogenase deficiency (DMGDHD). Also called: DMGDH DEFICIENCY. Identifiers: Orphanet 243343, MedGen C1853892, MONDO:0011610, OMIM 605850.

Submission:

Faculty of Engineering and Natural Sciences, Biruni University
Classification: Likely pathogenic for Dimethylglycine dehydrogenase deficiency. Last evaluated: 2023-02-09. Review status: criteria provided, single submitter. Criteria: ACMG Guidelines, 2015. Collection method: clinical testing. Allele origin: germline. Affected: yes. Observed: 1 variant allele.
Comment: The NM_013391 c.269G>A, is a nonsense variant in DMGDH which is predicted to result in a premature stop codon at position 90, and likely results in an absent or disrupted protein product (PVS1).

Literature cited by the submitters: PubMed 28881522; DOI 10.1007/978-3-662-63123-2_31; DOI 10.1016/j.seizure.2023.06.006; DOI doi.org/10.1016/j.biochi.2020.02.005..